The following is an entry in ClinVar:

ClinVar aggregate classification (germline): Uncertain significance (1 of 4 stars; one submission).

gnomAD v4.1: 6 of 1,614,170 alleles (0.00037%); highest among the groups gnomAD compares: Non-Finnish European, 0.00051%; no homozygotes.

Submission:

Ambry Genetics
Classification: Uncertain significance. Last evaluated: 2025-08-25. Review status: criteria provided, single submitter. Criteria: Ambry Variant Classification Scheme 2023. Collection method: clinical testing. Allele origin: germline.
Comment: The p.D532E variant (also known as c.1596C>G), located in coding exon 8 of the ATRIP gene, results from a C to G substitution at nucleotide position 1596. The aspartic acid at codon 532 is replaced by glutamic acid, an amino acid with highly similar properties. This amino acid position is conserved. In addition, this alteration is predicted to be tolerated by in silico analysis. Based on the available evidence, the clinical significance of this variant remains unclear.

NM_130384.3(ATRIP):c.1596C>G (p.Asp532Glu)

Genes: ATRIP (ATR interacting protein; plus strand), ATRIP-TREX1 (ATRIP-TREX1 readthrough; plus strand). Cytogenetic location: 3p21.31.
Variant type: single nucleotide variant.
Coding change: c.1596C>G on transcript NM_130384.3 (MANE Select); coding-DNA position 1596, C replaced by G.
Protein change: p.Asp532Glu; replaces aspartic acid 532 with glutamic acid.
Molecular consequence: missense variant. On other transcripts: non-coding transcript variant (1).
Genome position (GRCh38, 1-based): chr3:48,460,650, C>G. VCF-style: chr3-48460650-C-G. GRCh37 (hg19) VCF-style: chr3-48502049-C-G.
Other names: c.1215C>G, p.Asp405Glu (NM_001271022.2); c.1317C>G, p.Asp439Glu (NM_001271023.2); c.1596C>G, p.Asp532Glu (NM_032166.4); short protein forms D439E, D532E, D405E.
Identifiers: ClinVar variation 4182669 (VCV004182669.1).